The following is an entry in ClinVar:

ClinVar aggregate classification (germline): Likely benign (1 of 4 stars; one submission).

Conditions:
IL21R-related disorder. Also called: IL21R-related condition.

gnomAD v4.1: 20 of 1,477,516 alleles (0.0014%); highest among the groups gnomAD compares: Non-Finnish European, 0.0017%; no homozygotes.

Submission:

PreventionGenetics, part of Exact Sciences
Classification: Likely benign for IL21R-related condition. Last evaluated: 2025-01-23. Review status: criteria provided, single submitter. Criteria: ACMG Guidelines, 2015. Collection method: clinical testing. Allele origin: germline.
Comment: This variant is classified as likely benign based on ACMG/AMP sequence variant interpretation guidelines (Richards et al. 2015 PMID: 25741868, with internal and published modifications).

NM_181078.3(IL21R):c.508-7C>A

Gene: IL21R (interleukin 21 receptor; plus strand). Cytogenetic location: 16p12.1.
Variant type: single nucleotide variant.
Coding change: c.508-7C>A on transcript NM_181078.3 (MANE Select); 7 bases into the intron before coding-DNA position 508, C replaced by A.
Molecular consequence: intron variant.
Genome position (GRCh38, 1-based): chr16:27,444,535, C>A. VCF-style: chr16-27444535-C-A. GRCh37 (hg19) VCF-style: chr16-27455856-C-A.
Other names: c.574-7C>A (NM_181079.5); c.508-7C>A (NM_021798.4).
Identifiers: ClinVar variation 4977446 (VCV004977446.1).